The following is an entry in ClinVar:

NM_182493.3(MYLK3):c.2302G>C (p.Glu768Gln)

Gene: MYLK3 (myosin light chain kinase 3; minus strand). Cytogenetic location: 16q11.2.
Variant type: single nucleotide variant.
Coding change: c.2302G>C on transcript NM_182493.3 (MANE Select); coding-DNA position 2302, G replaced by C.
Protein change: p.Glu768Gln; replaces glutamic acid 768 with glutamine.
Molecular consequence: missense variant.
Genome position (GRCh38, 1-based): chr16:46,709,637, C>G on the plus strand (G>C on the coding strand, the complement: MYLK3 is on the minus strand). VCF-style: chr16-46709637-C-G. GRCh37 (hg19) VCF-style: chr16-46743549-C-G.
Other names: c.1279G>C, p.Glu427Gln (NM_001308301.1); short protein forms E427Q, E768Q.
Identifiers: ClinVar variation 2254182 (VCV002254182.4), dbSNP rs1471402713, ClinGen allele CA395786039.
Genomic context (GRCh38, chr16:46,709,637, plus strand): 5'-GTTGGGATTTGAGACGAGTTTTGGATCTTGAAGCTTTGGCAGGCAAATTATTCAGCCACT[C>G]GTGTTTCAGGCACTGTGTGGCACTCATTCTGCAGCTGTGAAATCAAAGAGCAGTTAAGAC-3'
Protein context (NP_872299.2, residues 758-778): RMSATQCLKH[Glu768Gln]WLNNLPAKAS

ClinVar aggregate classification (germline): Uncertain significance. Review status: criteria provided, multiple submitters, no conflicts (2 of 4 stars). 2 submissions from 2 submitters: Uncertain significance (2). Last evaluated 2024-09-11.

Submissions (2):

Labcorp Genetics (formerly Invitae), Labcorp
Classification: Uncertain significance. Last evaluated: 2024-09-11. Review status: criteria provided, single submitter. Criteria: Invitae Variant Classification Sherloc (09022015). Collection method: clinical testing. Allele origin: germline.
Comment: This sequence change replaces glutamic acid, which is acidic and polar, with glutamine, which is neutral and polar, at codon 768 of the MYLK3 protein (p.Glu768Gln). This variant is not present in population databases (gnomAD no frequency). This variant has not been reported in the literature in individuals affected with MYLK3-related conditions. ClinVar contains an entry for this variant (Variation ID: 2254182). An algorithm developed to predict the effect of missense changes on protein structure and function (PolyPhen-2) suggests that this variant is likely to be disruptive. In summary, the available evidence is currently insufficient to determine the role of this variant in disease. Therefore, it has been classified as a Variant of Uncertain Significance.

Ambry Genetics
Classification: Uncertain significance. Last evaluated: 2021-10-12. Review status: criteria provided, single submitter. Criteria: Ambry Variant Classification Scheme 2023. Collection method: clinical testing. Allele origin: germline.